The following is an entry in ClinVar:

NM_021930.6(RINT1):c.2221G>T (p.Val741Phe)

Genes: EFCAB10 (EF-hand calcium binding domain 10; minus strand), RINT1 (RAD50 interactor 1; plus strand). Cytogenetic location: 7q22.3.
Variant type: single nucleotide variant.
Coding change: c.2221G>T on transcript NM_021930.6 (MANE Select); coding-DNA position 2221, G replaced by T.
Protein change: p.Val741Phe; replaces valine 741 with phenylalanine.
Molecular consequence: missense variant. On other transcripts: 3 prime UTR variant (2), non-coding transcript variant (1), intron variant (3).
Genome position (GRCh38, 1-based): chr7:105,567,153, G>T. VCF-style: chr7-105567153-G-T. GRCh37 (hg19) VCF-style: chr7-105207600-G-T.
Other names: c.*301C>A (NM_001355527.2, NM_001355529.2); c.1987G>T, p.Val663Phe (NM_001346599.2); c.1198G>T, p.Val400Phe (NM_001346600.2, NM_001346603.2); c.1297G>T, p.Val433Phe (NM_001346601.2); c.360-1706C>A (NM_001355531.2); c.383+314C>A (NM_001355526.2, NM_001355530.2); short protein forms V400F, V663F, V741F, V433F.
Identifiers: ClinVar variation 1364532 (VCV001364532.11), dbSNP rs749732262, ClinGen allele CA368815429.

ClinVar aggregate classification (germline): Uncertain significance. Review status: criteria provided, multiple submitters, no conflicts (2 of 4 stars). 2 submissions from 2 submitters: Uncertain significance (2). Last evaluated 2025-09-26.

gnomAD v4.1: 3 of 1,584,738 alleles (0.00019%); highest among the groups gnomAD compares: Non-Finnish European, 0.00026%; no homozygotes.

Submissions (2):

Ambry Genetics
Classification: Uncertain significance. Last evaluated: 2025-09-26. Review status: criteria provided, single submitter. Criteria: Ambry Variant Classification Scheme 2023. Collection method: clinical testing. Allele origin: germline.
Comment: The p.V741F variant (also known as c.2221G>T), located in coding exon 15 of the RINT1 gene, results from a G to T substitution at nucleotide position 2221. The valine at codon 741 is replaced by phenylalanine, an amino acid with highly similar properties. This amino acid position is conserved. In addition, this alteration is predicted to be tolerated by in silico analysis. Since supporting evidence is limited at this time, the clinical significance of this alteration remains unclear.

Labcorp Genetics (formerly Invitae), Labcorp
Classification: Uncertain significance. Last evaluated: 2021-01-02. Review status: criteria provided, single submitter. Criteria: Invitae Variant Classification Sherloc (09022015). Collection method: clinical testing. Allele origin: germline.
Comment: In summary, the available evidence is currently insufficient to determine the role of this variant in disease. Therefore, it has been classified as a Variant of Uncertain Significance. Algorithms developed to predict the effect of missense changes on protein structure and function (SIFT, PolyPhen-2, Align-GVGD) all suggest that this variant is likely to be tolerated, but these predictions have not been confirmed by published functional studies and their clinical significance is uncertain. This variant has not been reported in the literature in individuals with RINT1-related conditions. This variant is not present in population databases (ExAC no frequency). This sequence change replaces valine with phenylalanine at codon 741 of the RINT1 protein (p.Val741Phe). The valine residue is moderately conserved and there is a small physicochemical difference between valine and phenylalanine.